The following is an entry in ClinVar:

ClinVar aggregate classification (germline): Benign/Likely benign. Review status: criteria provided, single submitter (1 of 4 stars). 3 submissions from 1 submitter: Benign (2); Likely benign (1). Last evaluated 2018-01-12.

Conditions:
Cone-rod dystrophy 2 (CORD2). Also called: CONE-ROD RETINAL DYSTROPHY; Cone-rod retinal dystrophy 2. Identifiers: Orphanet 1872, MedGen C3489532, MONDO:0007362, OMIM 120970.
Leber congenital amaurosis 7 (LCA7). Identifiers: Orphanet 65, MedGen C3151192, MONDO:0013449, OMIM 613829.
Retinitis pigmentosa (RP). Identifiers: Orphanet 791, MedGen C0035334, MeSH D012174, MONDO:0019200, OMIM 268000. Inheritance: Autosomal dominant, autosomal recessive and X linked inheritance.

Allele frequency attached by ClinVar (database versions not stated): gnomAD 0.00497 and 0.00531; TOPMed 0.00569; 1000 Genomes Project 30x 0.00921; 1000 Genomes Project 0.00958.

Submissions (3):

Illumina Laboratory Services, Illumina
Classification: Benign for Retinitis pigmentosa. Last evaluated: 2018-01-12. Review status: criteria provided, single submitter. Criteria: ICSL Variant Classification Criteria 13 December 2019. Collection method: clinical testing. Allele origin: germline.
Comment: This variant was observed in the ICSL laboratory as part of a predisposition screen in an ostensibly healthy population. It had not been previously curated by ICSL or reported in the Human Gene Mutation Database (HGMD: prior to June 1st, 2018), and was therefore a candidate for classification through an automated scoring system. Utilizing variant allele frequency, disease prevalence and penetrance estimates, and inheritance mode, an automated score was calculated to assess if this variant is too frequent to cause the disease. Based on the score and internal cut-off values, a variant classified as benign is not then subjected to further curation. The score for this variant resulted in a classification of benign for this disease.

Illumina Laboratory Services, Illumina
Classification: Benign for Cone-rod dystrophy 2. Last evaluated: 2018-01-12. Review status: criteria provided, single submitter. Criteria: ICSL Variant Classification Criteria 13 December 2019. Collection method: clinical testing. Allele origin: germline.
Comment: the same text as in the submission from Illumina Laboratory Services, Illumina above.

Illumina Laboratory Services, Illumina
Classification: Likely benign for Leber congenital amaurosis 7. Last evaluated: 2018-01-12. Review status: criteria provided, single submitter. Criteria: ICSL Variant Classification Criteria 13 December 2019. Collection method: clinical testing. Allele origin: germline.
Comment: This variant was observed in the ICSL laboratory as part of a predisposition screen in an ostensibly healthy population. It had not been previously curated by ICSL or reported in the Human Gene Mutation Database (HGMD: prior to June 1st, 2018), and was therefore a candidate for classification through an automated scoring system. Utilizing variant allele frequency, disease prevalence and penetrance estimates, and inheritance mode, an automated score was calculated to assess if this variant is too frequent to cause the disease. Based on the score and internal cut-off values, a variant classified as likely benign is not then subjected to further curation. The score for this variant resulted in a classification of likely benign for this disease.

NM_000554.6(CRX):c.*1961G>A

Gene: CRX (cone-rod homeobox; plus strand). Cytogenetic location: 19q13.33.
Variant type: single nucleotide variant.
Coding change: c.*1961G>A on transcript NM_000554.6 (MANE Select); 1961 bases downstream of the stop codon, G replaced by A.
Molecular consequence: 3 prime UTR variant.
Genome position (GRCh38, 1-based): chr19:47,841,928, G>A. VCF-style: chr19-47841928-G-A. GRCh37 (hg19) VCF-style: chr19-48345185-G-A.
Identifiers: ClinVar variation 329750 (VCV000329750.5), dbSNP rs117186518, ClinGen allele CA10643082.